The following is an entry in ClinVar:

NM_198253.3(TERT):c.780C>A (p.Gly260=)

Gene: TERT (telomerase reverse transcriptase; minus strand). Cytogenetic location: 5p15.33.
Variant type: single nucleotide variant.
Coding change: c.780C>A on transcript NM_198253.3 (MANE Select); coding-DNA position 780, C replaced by A.
Protein change: p.Gly260=; no amino-acid change (glycine 260 retained).
Molecular consequence: synonymous variant. On other transcripts: non-coding transcript variant (2).
Genome position (GRCh38, 1-based): chr5:1,294,106, G>T on the plus strand (C>A on the coding strand, the complement: TERT is on the minus strand). VCF-style: chr5-1294106-G-T. GRCh37 (hg19) VCF-style: chr5-1294221-G-T.
Other names: c.780C>A, p.Gly260= (NM_001193376.3).
Identifiers: ClinVar variation 1111171 (VCV001111171.34), dbSNP rs2126687848, ClinGen allele CA443239706.

ClinVar aggregate classification (germline): Likely benign. Review status: criteria provided, multiple submitters, no conflicts (2 of 4 stars). 3 submissions from 3 submitters: Likely benign (3). Last evaluated 2023-09-08.

Conditions:
Dyskeratosis congenita, autosomal dominant 2. Identifiers: MedGen C3151443, MONDO:0013521, OMIM 613989.
Idiopathic Pulmonary Fibrosis. Also called: Idiopathic fibrosing alveolitis, chronic form; idiopathic fibrosing alveolitis. Identifiers: Orphanet 2032, MedGen C1800706, MeSH D054990, MONDO:0800504.
Dyskeratosis congenita. Identifiers: Orphanet 1775, MedGen C0265965, MONDO:0015780.

Submissions (3):

Labcorp Genetics (formerly Invitae), Labcorp
Classification: Likely benign for Dyskeratosis congenita, autosomal dominant 2; Idiopathic Pulmonary Fibrosis. Last evaluated: 2023-09-08. Review status: criteria provided, single submitter. Criteria: Invitae Variant Classification Sherloc (09022015). Collection method: clinical testing. Allele origin: germline.

CeGaT Center for Human Genetics Tuebingen
Classification: Likely benign. Last evaluated: 2023-03-01. Review status: criteria provided, single submitter. Criteria: CeGaT Center For Human Genetics Tuebingen Variant Classification Criteria Version 2. Collection method: clinical testing. Allele origin: germline. Affected: yes. Observed: 1 variant allele.
Comment: TERT: PM2:Supporting, BP4, BP7

Ambry Genetics
Classification: Likely benign for Dyskeratosis congenita. Last evaluated: 2019-08-10. Review status: criteria provided, single submitter. Criteria: Ambry Variant Classification Scheme 2023. Collection method: clinical testing. Allele origin: germline.